The following is an entry in ClinVar:

ClinVar aggregate classification (germline): Conflicting classifications of pathogenicity. Review status: criteria provided, conflicting classifications (1 of 4 stars). 5 submissions from 5 submitters: Uncertain significance (1); Benign (1); Likely benign (2). 1 of the submissions does not count toward it. Last evaluated 2025-05-05.

Conditions:
PHF6-related disorder. Also called: PHF6-related condition.
Borjeson-Forssman-Lehmann syndrome (BFLS). Also called: BORJESON SYNDROME; MENTAL RETARDATION, X-LINKED, SYNDROMIC, BORJESON-FORSSMAN-LEHMANN TYPE; MENTAL RETARDATION, EPILEPSY, AND ENDOCRINE DISORDERS. Identifiers: Orphanet 127, MedGen C0265339, MONDO:0010537, OMIM 301900.

Allele frequency attached by ClinVar (database versions not stated): gnomAD exomes 0.00005 and 0.00011; gnomAD 0.00010 and 0.00011; TOPMed 0.00011; ExAC 0.00016; 1000 Genomes Project 30x 0.00021; 1000 Genomes Project 0.00026.
gnomAD v4.1: 63 of 1,207,879 alleles (0.0052%); highest among the groups gnomAD compares: East Asian, 0.062%; no homozygotes.

Submissions (5):

Labcorp Genetics (formerly Invitae), Labcorp
Classification: Benign for Borjeson-Forssman-Lehmann syndrome. Last evaluated: 2025-05-05. Review status: criteria provided, single submitter. Criteria: Invitae Variant Classification Sherloc (09022015). Collection method: clinical testing. Allele origin: germline.

Blueprint Genetics
Classification: Likely benign. Last evaluated: 2022-07-29. Review status: criteria provided, single submitter. Criteria: ACMG Guidelines, 2015. Collection method: clinical testing. Allele origin: germline.

Eurofins Ntd Llc (ga)
Classification: Uncertain significance. Last evaluated: 2016-05-18. Review status: criteria provided, single submitter. Criteria: EGL Classification Definitions 2015. Collection method: clinical testing. Allele origin: germline. Observed: 1 variant allele, 1 heterozygote.

Genetic Services Laboratory, University of Chicago
Classification: Likely benign. Last evaluated: 2015-05-04. Review status: criteria provided, single submitter. Criteria: ACMG Guidelines, 2015. Collection method: clinical testing. Allele origin: germline.

PreventionGenetics, part of Exact Sciences
Classification: Likely benign for PHF6-related condition. Last evaluated: 2022-02-26. Review status: no assertion criteria provided. Collection method: clinical testing. Allele origin: germline. Not counted in ClinVar's aggregate classification.
Comment: This variant is classified as likely benign based on ACMG/AMP sequence variant interpretation guidelines (Richards et al. 2015 PMID: 25741868, with internal and published modifications).

NM_001015877.2(PHF6):c.414C>T (p.Ser138=)

Gene: PHF6 (PHD finger protein 6; plus strand). Cytogenetic location: Xq26.2.
Variant type: single nucleotide variant.
Coding change: c.414C>T on transcript NM_001015877.2 (MANE Select); coding-DNA position 414, C replaced by T.
Protein change: p.Ser138=; no amino-acid change (serine 138 retained).
Molecular consequence: synonymous variant.
Genome position (GRCh38, 1-based): chrX:134,393,948, C>T. VCF-style: chrX-134393948-C-T. GRCh37 (hg19) VCF-style: chrX-133527978-C-T.
Other names: c.414C>T, p.Ser138= (LRG_629t2, NM_032458.3, NM_032335.3).
Identifiers: ClinVar variation 211900 (VCV000211900.20), dbSNP rs200423380, ClinGen allele CA207051.